The following is an entry in ClinVar:

NM_022437.3(ABCG8):c.1210C>T (p.Arg404Cys)

Gene: ABCG8 (ATP binding cassette subfamily G member 8; plus strand). Cytogenetic location: 2p21.
Variant type: single nucleotide variant.
Coding change: c.1210C>T on transcript NM_022437.3 (MANE Select); coding-DNA position 1210, C replaced by T.
Protein change: p.Arg404Cys; replaces arginine 404 with cysteine.
Molecular consequence: missense variant.
Genome position (GRCh38, 1-based): chr2:43,872,305, C>T. VCF-style: chr2-43872305-C-T. GRCh37 (hg19) VCF-style: chr2-44099444-C-T.
Other names: c.1207C>T, p.Arg403Cys (NM_001357321.2); short protein forms R403C, R404C.
Identifiers: ClinVar variation 2257984 (VCV002257984.2), dbSNP rs759992462, ClinGen allele CA1637339.
Genomic context (GRCh38, chr2:43,872,305, plus strand): 5'-AACTGCCTCCCGAGTCCTACGAAGATGCCTGGGGCGGTGCAGCAGTTTACGACGCTGATC[C>T]GGTAATTATCTGTCATTTTATTACTGAACCCGCCCCCCTGCCCAAGTCTTTGTATATCAC-3'
Protein context (NP_071882.1, residues 394-414): GAVQQFTTLI[Arg404Cys]RQISNDFRDL

ClinVar aggregate classification (germline): Uncertain significance (1 of 4 stars; one submission).

Conditions:
Cardiovascular phenotype. Identifiers: MedGen CN230736.

Allele frequency attached by ClinVar (database versions not stated): ExAC 0.00001; TOPMed 0.00001.

Submission:

Ambry Genetics
Classification: Uncertain significance for Cardiovascular phenotype. Last evaluated: 2023-12-21. Review status: criteria provided, single submitter. Criteria: Ambry Variant Classification Scheme 2023. Collection method: clinical testing. Allele origin: germline.
Comment: The p.R404C variant (also known as c.1210C>T), located in coding exon 8 of the ABCG8 gene, results from a C to T substitution at nucleotide position 1210. The arginine at codon 404 is replaced by cysteine, an amino acid with highly dissimilar properties. This amino acid position is conserved. In addition, this alteration is predicted to be tolerated by in silico analysis. Since supporting evidence is limited at this time, the clinical significance of this alteration remains unclear.